The following is an entry in ClinVar:

ClinVar aggregate classification (germline): Uncertain significance (1 of 4 stars; one submission).

Conditions:
Kabuki syndrome. Also called: NIIKAWA-KUROKI SYNDROME; Kabuki make-up syndrome. Identifiers: Orphanet 2322, MedGen C0796004, MONDO:0016512.

Allele frequency attached by ClinVar (database versions not stated): gnomAD exomes below 0.00001.

Submission:

Labcorp Genetics (formerly Invitae), Labcorp
Classification: Uncertain significance for Kabuki syndrome. Last evaluated: 2024-10-18. Review status: criteria provided, single submitter. Criteria: Invitae Variant Classification Sherloc (09022015). Collection method: clinical testing. Allele origin: germline.
Comment: This sequence change replaces glycine, which is neutral and non-polar, with arginine, which is basic and polar, at codon 2984 of the KMT2D protein (p.Gly2984Arg). This variant is not present in population databases (gnomAD no frequency). This variant has not been reported in the literature in individuals affected with KMT2D-related conditions. Invitae Evidence Modeling of protein sequence and biophysical properties (such as structural, functional, and spatial information, amino acid conservation, physicochemical variation, residue mobility, and thermodynamic stability) indicates that this missense variant is not expected to disrupt KMT2D protein function with a negative predictive value of 95%. In summary, the available evidence is currently insufficient to determine the role of this variant in disease. Therefore, it has been classified as a Variant of Uncertain Significance.

NM_003482.4(KMT2D):c.8950G>A (p.Gly2984Arg)

Gene: KMT2D (lysine methyltransferase 2D; minus strand). Cytogenetic location: 12q13.12.
Variant type: single nucleotide variant.
Coding change: c.8950G>A on transcript NM_003482.4 (MANE Select); coding-DNA position 8950, G replaced by A.
Protein change: p.Gly2984Arg; replaces glycine 2984 with arginine.
Molecular consequence: missense variant.
Genome position (GRCh38, 1-based): chr12:49,038,406, C>T on the plus strand (G>A on the coding strand, the complement: KMT2D is on the minus strand). VCF-style: chr12-49038406-C-T. GRCh37 (hg19) VCF-style: chr12-49432189-C-T.
Other names: short protein forms G2984R.
Identifiers: ClinVar variation 2695547 (VCV002695547.3), dbSNP rs2120496571, ClinGen allele CA384740287.
Genomic context (GRCh38, chr12:49,038,406, plus strand): 5'-CTAGGGCCTTGTGGGCATCAAAATCGTCATCCAGCTCGGGATCCTCACAGGGCAACTTCC[C>T]AGCTTCCAGGGCCAGAGGATTGGGGCGGCCAAGCTCAGTGCTCGACGGGGGCCGGTTGAC-3'
Protein context (NP_003473.3, residues 2974-2994): GRPNPLALEA[Gly2984Arg]KLPCEDPELD